The following is an entry in ClinVar:

ClinVar aggregate classification (germline): Pathogenic (1 of 4 stars; one submission).

Submission:

Labcorp Genetics (formerly Invitae), Labcorp
Classification: Pathogenic. Last evaluated: 2019-07-14. Review status: criteria provided, single submitter. Criteria: Invitae Variant Classification Sherloc (09022015). Collection method: clinical testing. Allele origin: germline.
Comment: For these reasons, this variant has been classified as Pathogenic. Loss-of-function variants in COL27A1 are known to be pathogenic (PMID: 24986830, 28276056). This variant has not been reported in the literature in individuals with COL27A1-related conditions. This variant is not present in population databases (ExAC no frequency). This sequence change creates a premature translational stop signal (p.His186Profs*25) in the COL27A1 gene. It is expected to result in an absent or disrupted protein product.

Literature cited by the submitters: PubMed 24986830; PubMed 28276056.

NM_032888.4(COL27A1):c.554dup (p.His186fs)

Gene: COL27A1 (collagen type XXVII alpha 1 chain; plus strand). Cytogenetic location: 9q32.
Variant type: Duplication.
Coding change: c.554dup on transcript NM_032888.4 (MANE Select); coding-DNA position 554, one base duplicated (T; older notation c.554dupT).
Protein change: p.His186fs; shifts the reading frame from histidine 186.
Molecular consequence: frameshift variant.
Genome position (GRCh38, 1-based): chr9:114,168,109, T duplicated; the last of 3 consecutive T bases (chr9:114,168,107-114,168,109); duplicating any one gives the same sequence. VCF-style (leftmost placement, unchanged base first): chr9-114168106-C-CT. GRCh37 (hg19) VCF-style: chr9-116930386-C-CT.
Other names: short protein forms H186fs.
Identifiers: ClinVar variation 940183 (VCV000940183.7), dbSNP rs1849030350, ClinGen allele CA1139661143.
Genomic context (GRCh38, chr9:114,168,106, plus strand): 5'-GAGGCCGCACAGTCACTCTGGTGACTGCCTGCGGGCAGCGCCGGGTGCCTGTCCTGCTGC[C>CT]TTTCCACAGGGACCCTGCACTCGACCCTGGGGGCTCCTTCCTCTTTGGGAAGATGAACCC-3'